The following is an entry in ClinVar:

NM_022455.5(NSD1):c.5281T>C (p.Trp1761Arg)

Gene: NSD1 (nuclear receptor binding SET domain protein 1; plus strand). Cytogenetic location: 5q35.3.
Variant type: single nucleotide variant.
Coding change: c.5281T>C on transcript NM_022455.5 (MANE Select); coding-DNA position 5281, T replaced by C.
Protein change: p.Trp1761Arg; replaces tryptophan 1761 with arginine.
Molecular consequence: missense variant.
Genome position (GRCh38, 1-based): chr5:177,267,696, T>C. VCF-style: chr5-177267696-T-C. GRCh37 (hg19) VCF-style: chr5-176694697-T-C.
Other names: c.4408T>C, p.Trp1470Arg (NM_001365684.2, NM_001409308.1, NM_001409309.1 and 1 more transcripts); c.5281T>C, p.Trp1761Arg (NM_001409301.1, NM_001409302.1, NM_001409303.1); c.4861T>C, p.Trp1621Arg (NM_001409304.1); c.4528T>C, p.Trp1510Arg (NM_001409305.1); c.4519T>C, p.Trp1507Arg (NM_001409306.1, NM_001409307.1); short protein forms W1761R, W1492R, W1621R, W1470R, W1507R, W1510R.
Identifiers: ClinVar variation 407357 (VCV000407357.9), dbSNP rs1060501489, ClinGen allele CA16611858.

ClinVar aggregate classification (germline): Uncertain significance (1 of 4 stars; one submission).

Submission:

Labcorp Genetics (formerly Invitae), Labcorp
Classification: Uncertain significance. Last evaluated: 2016-06-21. Review status: criteria provided, single submitter. Criteria: Invitae Variant Classification Sherloc (09022015). Collection method: clinical testing. Allele origin: germline.
Comment: This sequence change replaces tryptophan with arginine at codon 1761 of the NSD1 protein (p.Trp1761Arg). The tryptophan residue is moderately conserved and there is a moderate physicochemical difference between tryptophan and arginine. This variant is not present in population databases (ExAC no frequency) and has not been reported in the literature in individuals with a NSD1-related disease. In summary, this variant is a novel missense change with uncertain impact on protein function. It has been classified as a Variant of Uncertain Significance. Algorithms developed to predict the effect of missense changes on protein structure and function do not agree on the potential impact of this missense change (SIFT: "Deleterious"; PolyPhen-2: "Probably Damaging"; Align-GVGD: "Class C0").